The following is an entry in ClinVar:

ClinVar aggregate classification (germline): Uncertain significance (1 of 4 stars; one submission).

Conditions:
NIK deficiency. Also called: Primary immunodeficiency with multifaceted aberrant lymphoid immunity. Identifiers: Orphanet 447731, MedGen C5680065, MONDO:0018642.

Submission:

Labcorp Genetics (formerly Invitae), Labcorp
Classification: Uncertain significance for NIK deficiency. Last evaluated: 2019-05-01. Review status: criteria provided, single submitter. Criteria: Invitae Variant Classification Sherloc (09022015). Collection method: clinical testing. Allele origin: germline.
Comment: This sequence change replaces lysine with arginine at codon 163 of the MAP3K14 protein (p.Lys163Arg). The lysine residue is highly conserved and there is a small physicochemical difference between lysine and arginine. This variant is not present in population databases (ExAC no frequency). This variant has not been reported in the literature in individuals with MAP3K14-related conditions. Algorithms developed to predict the effect of missense changes on protein structure and function output the following: SIFT: "Tolerated"; PolyPhen-2: "Benign"; Align-GVGD: "Class C0". The arginine amino acid residue is found in multiple mammalian species, suggesting that this missense change does not adversely affect protein function. These predictions have not been confirmed by published functional studies and their clinical significance is uncertain. In summary, the available evidence is currently insufficient to determine the role of this variant in disease. Therefore, it has been classified as a Variant of Uncertain Significance.

NM_003954.5(MAP3K14):c.488A>G (p.Lys163Arg)

Gene: MAP3K14 (mitogen-activated protein kinase kinase kinase 14; minus strand). Cytogenetic location: 17q21.31.
Variant type: single nucleotide variant.
Coding change: c.488A>G on transcript NM_003954.5 (MANE Select); coding-DNA position 488, A replaced by G.
Protein change: p.Lys163Arg; replaces lysine 163 with arginine.
Molecular consequence: missense variant.
Genome position (GRCh38, 1-based): chr17:45,287,203, T>C on the plus strand (A>G on the coding strand, the complement: MAP3K14 is on the minus strand). VCF-style: chr17-45287203-T-C. GRCh37 (hg19) VCF-style: chr17-43364569-T-C.
Other names: short protein forms K163R.
Identifiers: ClinVar variation 845348 (VCV000845348.1), dbSNP rs2044274274, ClinGen allele CA399890174.